The following is an entry in ClinVar:

ClinVar aggregate classification (germline): Pathogenic (1 of 4 stars; one submission).

Conditions:
Alacrima, achalasia, and impaired intellectual development syndrome. Also called: Alacrima, achalasia, and mental retardation syndrome; Alacrima, achalasia, and intellectual disability syndrome. Identifiers: Orphanet 869, MedGen C4706563, MONDO:0014219, OMIM 615510.

Submission:

Labcorp Genetics (formerly Invitae), Labcorp
Classification: Pathogenic for Alacrima, achalasia, and impaired intellectual development syndrome. Last evaluated: 2023-10-17. Review status: criteria provided, single submitter. Criteria: Invitae Variant Classification Sherloc (09022015). Collection method: clinical testing. Allele origin: germline.
Comment: This sequence change creates a premature translational stop signal (p.His40Ilefs*30) in the GMPPA gene. It is expected to result in an absent or disrupted protein product. Loss-of-function variants in GMPPA are known to be pathogenic (PMID: 24035193). This variant is not present in population databases (gnomAD no frequency). This variant has not been reported in the literature in individuals affected with GMPPA-related conditions. For these reasons, this variant has been classified as Pathogenic.

Literature cited by the submitters: PubMed 24035193.

NM_013335.4(GMPPA):c.118del (p.His40fs)

Genes: ASIC4-AS1 (ASIC4 antisense RNA 1; minus strand), GMPPA (GDP-mannose pyrophosphorylase A; plus strand). Cytogenetic location: 2q35.
Variant type: Deletion.
Coding change: c.118del on transcript NM_013335.4 (MANE Select); coding-DNA position 118, one base deleted (C; older notation c.118delC).
Protein change: p.His40fs; shifts the reading frame from histidine 40.
Molecular consequence: frameshift variant.
Genome position (GRCh38, 1-based): chr2:219,500,198, C deleted; the last of 2 consecutive C bases (chr2:219,500,197-219,500,198); deleting either gives the same sequence. VCF-style (leftmost placement, unchanged base first): chr2-219500196-AC-A. GRCh37 (hg19) VCF-style: chr2-220364918-AC-A.
Other names: c.118del, p.His40fs (NM_001374294.1, NM_001374295.1, NM_205847.3); short protein forms H40fs.
Identifiers: ClinVar variation 2769661 (VCV002769661.3), dbSNP rs2546060637, ClinGen allele CA2697550468.